The following is an entry in ClinVar:

ClinVar aggregate classification (germline): Benign/Likely benign. Review status: criteria provided, multiple submitters, no conflicts (2 of 4 stars). 6 submissions from 6 submitters: Benign (1); Likely benign (4). 1 of the submissions does not count toward it. Last evaluated 2024-10-03.

Conditions:
Inborn genetic diseases. Identifiers: MedGen C0950123, MeSH D030342.
HECW2-related disorder. Also called: HECW2-related condition.

Allele frequency attached by ClinVar (database versions not stated): ESP Exome Variant Server 0.00015; gnomAD exomes 0.00036 and 0.00055; ExAC 0.00049; gnomAD 0.00056 and 0.00061; 1000 Genomes Project 0.00060; TOPMed 0.00074.
gnomAD v4.1: 634 of 1,614,144 alleles (0.039%); highest among the groups gnomAD compares: Middle Eastern, 0.15%; 1 homozygote.

Submissions (6):

Blueprint Genetics
Classification: Likely benign. Last evaluated: 2024-10-03. Review status: criteria provided, single submitter. Criteria: ACMG Guidelines, 2015. Collection method: clinical testing. Allele origin: germline.

Ambry Genetics
Classification: Likely benign for Inborn genetic diseases. Last evaluated: 2023-11-21. Review status: criteria provided, single submitter. Criteria: Ambry Variant Classification Scheme 2023. Collection method: clinical testing. Allele origin: germline.

CeGaT Center for Human Genetics Tuebingen
Classification: Benign. Last evaluated: 2022-08-01. Review status: criteria provided, single submitter. Criteria: CeGaT Center For Human Genetics Tuebingen Variant Classification Criteria Version 2. Collection method: clinical testing. Allele origin: germline. Affected: yes. Observed: 1 variant allele.
Comment: HECW2: BS1, BS2

Labcorp Genetics (formerly Invitae), Labcorp
Classification: Likely benign. Last evaluated: 2018-04-10. Review status: criteria provided, single submitter. Criteria: Invitae Variant Classification Sherloc (09022015). Collection method: clinical testing. Allele origin: germline.

Breakthrough Genomics
Classification: Likely benign. Review status: criteria provided, single submitter. Criteria: ACMG Guidelines, 2015. Collection method: not provided. Allele origin: germline. Inheritance: Autosomal dominant inheritance. Affected: yes.

PreventionGenetics, part of Exact Sciences
Classification: Likely benign for HECW2-related condition. Last evaluated: 2022-06-15. Review status: no assertion criteria provided. Collection method: clinical testing. Allele origin: germline. Not counted in ClinVar's aggregate classification.
Comment: This variant is classified as likely benign based on ACMG/AMP sequence variant interpretation guidelines (Richards et al. 2015 PMID: 25741868, with internal and published modifications).

NM_001348768.2(HECW2):c.1250A>G (p.Asn417Ser)

Gene: HECW2 (HECT, C2 and WW domain containing E3 ubiquitin protein ligase 2; minus strand). Cytogenetic location: 2q32.3.
Variant type: single nucleotide variant.
Coding change: c.1250A>G on transcript NM_001348768.2 (MANE Select); coding-DNA position 1250, A replaced by G.
Protein change: p.Asn417Ser; replaces asparagine 417 with serine.
Molecular consequence: missense variant.
Genome position (GRCh38, 1-based): chr2:196,319,640, T>C on the plus strand (A>G on the coding strand, the complement: HECW2 is on the minus strand). VCF-style: chr2-196319640-T-C. GRCh37 (hg19) VCF-style: chr2-197184364-T-C.
Other names: c.1250A>G (NM_020760.1); c.182A>G, p.Asn61Ser (NM_001304840.3); c.1250A>G, p.Asn417Ser (NM_020760.4); short protein forms N61S, N417S.
Identifiers: ClinVar variation 720241 (VCV000720241.31), dbSNP rs138998510, ClinGen allele CA2038360.